The following is an entry in ClinVar:

ClinVar aggregate classification (germline): Uncertain significance (1 of 4 stars; one submission).

Conditions:
Emery-Dreifuss muscular dystrophy 4, autosomal dominant (EDMD4). Also called: EMERY-DREIFUSS MUSCULAR DYSTROPHY 4 WITH VARIABLE FEATURES. Identifiers: Orphanet 261, MedGen C2751807, MONDO:0013071, OMIM 612998.
Autosomal recessive ataxia, Beauce type. Also called: Spinocerebellar ataxia, autosomal recessive 8; ATAXIA, RECESSIVE, OF BEAUCE; SYNE1-Related Autosomal Recessive Cerebellar Ataxia; SYNE1 Deficiency. Identifiers: Orphanet 88644, MedGen C1853116, MONDO:0012549, OMIM 610743.

gnomAD v4.1: 12 of 1,613,740 alleles (0.00074%); highest among the groups gnomAD compares: Middle Eastern, 0.016%; no homozygotes.

Submission:

Labcorp Genetics (formerly Invitae), Labcorp
Classification: Uncertain significance for Emery-Dreifuss muscular dystrophy 4, autosomal dominant; Autosomal recessive ataxia, Beauce type. Last evaluated: 2025-01-29. Review status: criteria provided, single submitter. Criteria: Invitae Variant Classification Sherloc (09022015). Collection method: clinical testing. Allele origin: germline.
Comment: This sequence change replaces serine, which is neutral and polar, with threonine, which is neutral and polar, at codon 175 of the SYNE1 protein (p.Ser175Thr). This variant is present in population databases (no rsID available, gnomAD 0.0009%). This variant has not been reported in the literature in individuals affected with SYNE1-related conditions. An algorithm developed to predict the effect of missense changes on protein structure and function (PolyPhen-2) suggests that this variant is likely to be tolerated. In summary, the available evidence is currently insufficient to determine the role of this variant in disease. Therefore, it has been classified as a Variant of Uncertain Significance.

NM_182961.4(SYNE1):c.503G>C (p.Ser168Thr)

Gene: SYNE1 (spectrin repeat containing nuclear envelope protein 1; minus strand). Cytogenetic location: 6q25.2.
Variant type: single nucleotide variant.
Coding change: c.503G>C on transcript NM_182961.4 (MANE Select); coding-DNA position 503, G replaced by C.
Protein change: p.Ser168Thr; replaces serine 168 with threonine.
Molecular consequence: missense variant.
Genome position (GRCh38, 1-based): chr6:152,510,271, C>G on the plus strand (G>C on the coding strand, the complement: SYNE1 is on the minus strand). VCF-style: chr6-152510271-C-G. GRCh37 (hg19) VCF-style: chr6-152831406-C-G.
Other names: c.524G>C, p.Ser175Thr (NM_033071.5); short protein forms S168T, S175T.
Identifiers: ClinVar variation 3751881 (VCV003751881.2).